The following is an entry in ClinVar:

ClinVar aggregate classification (germline): Uncertain significance (1 of 4 stars; one submission).

Submission:

GeneDx
Classification: Uncertain significance. Last evaluated: 2025-03-21. Review status: criteria provided, single submitter. Criteria: GeneDx Variant Classification Process June 2021. Collection method: clinical testing. Allele origin: germline. Affected: yes.
Comment: Not observed at significant frequency in large population cohorts (gnomAD); In silico analysis indicates that this missense variant does not alter protein structure/function; Has not been previously published as pathogenic or benign to our knowledge

NM_001042424.3(NSD2):c.3851A>G (p.His1284Arg)

Gene: NSD2 (nuclear receptor binding SET domain protein 2; plus strand). Cytogenetic location: 4p16.3.
Variant type: single nucleotide variant.
Coding change: c.3851A>G on transcript NM_001042424.3 (MANE Select); coding-DNA position 3851, A replaced by G.
Protein change: p.His1284Arg; replaces histidine 1284 with arginine.
Molecular consequence: missense variant.
Genome position (GRCh38, 1-based): chr4:1,978,662, A>G. VCF-style: chr4-1978662-A-G. GRCh37 (hg19) VCF-style: chr4-1980389-A-G.
Other names: c.3851A>G, p.His1284Arg (NM_001440892.1, NM_133330.3, NM_133331.3 and 1 more transcripts); c.3950A>G, p.His1317Arg (NM_001440893.1); c.3734A>G, p.His1245Arg (NM_001440894.1); c.3704A>G, p.His1235Arg (NM_001440895.1); c.3650A>G, p.His1217Arg (NM_001440896.1); c.3644A>G, p.His1215Arg (NM_001440897.1); c.3527A>G, p.His1176Arg (NM_001440898.1); c.2882A>G, p.His961Arg (NM_001440899.1, NM_001440900.1); short protein forms H1176R, H1215R, H1217R, H1235R, H1245R, H1284R, H1317R, H961R.
Identifiers: ClinVar variation 4086428 (VCV004086428.1).